The following is an entry in ClinVar:

ClinVar aggregate classification (germline): Likely pathogenic. Review status: reviewed by expert panel (3 of 4 stars). 18 submissions from 18 submitters: Likely pathogenic (1). 17 of the submissions do not count toward it. Last evaluated 2025-07-01.

Conditions:
Cardiovascular phenotype. Identifiers: MedGen CN230736.
KCNQ1-related disorder. Also called: KCNQ1-related condition; KCNQ1-related disorders. Identifiers: MedGen CN239322.
Familial long QT syndrome (RWS). Also called: Congenital long QT syndrome; Romano-Ward syndrome; VENTRICULAR FIBRILLATION WITH PROLONGED QT INTERVAL. Identifiers: Orphanet 768, MedGen C1141890, MONDO:0019171.
Long QT syndrome (LQTS). Identifiers: MedGen C0023976, MeSH D008133, MONDO:0002442. Disease mechanism: loss of function. Inheritance: Various modes of inheritance.
Jervell and Lange-Nielsen syndrome 1 (JLNS1). Also called: CARDIOAUDITORY SYNDROME OF JERVELL AND LANGE-NIELSEN; DEAFNESS, CONGENITAL, AND FUNCTIONAL HEART DISEASE; PROLONGED QT INTERVAL IN EKG AND SUDDEN DEATH; SURDO-CARDIAC SYNDROME. Identifiers: Orphanet 768, Orphanet 90647, MedGen C4551509, MONDO:0024540, OMIM 220400.
Long QT syndrome 1 (LQT1). Identifiers: Orphanet 101016, Orphanet 768, MedGen C4551647, MONDO:0100316, OMIM 192500, MONDO:0008646.

gnomAD v4.1: 1 of 1,614,010 alleles (0.000062%); highest among the groups gnomAD compares: Non-Finnish European, 0.000085%; no homozygotes.

Submissions 1 to 8 of 18:

ClinGen Potassium Channel Arrhythmia Variant Curation Expert Panel, ClinGen
Classification: Likely pathogenic for Long QT syndrome 1. Last evaluated: 2025-07-01. Review status: reviewed by expert panel. Criteria: ClinGen KChannel ACMG Specifications KCNQ1 V1.0.0 2. Collection method: curation. Allele origin: germline. Inheritance: Autosomal dominant inheritance.
Comment: NM_000218.3(KCNQ1):c.1096C>T is a missense variant that causes substitution of arginine with tryptophan at position 366. This variant is present in gnomAD v.4.0.0 at a maximum allele frequency of 0.0000008993, with 1 allele / 1111974 total alleles in the European non-Finnish population, which is lower than the ClinGen Potassium Channel Arrhythmia VCEP PM2_Supporting threshold of <0.00001 (PM2_Supporting). This variant is rare and has been reported in 7 apparently unrelated probands affected with long QT syndrome 1 (PS4; PMID: 29497013, PMID: 24606995, PMID: 9693036, PMID: 26063740, PMID: 24363352, PMID: 19841300). The computational predictor REVEL gives a score of 0.921, which is above the ClinGen Potassium Channel Arrhythmia VCEP PP3 threshold of >0.75 and predicts a damaging effect on KCNQ1 function (PP3). The variant has been reported to segregate with long QT syndrome 1 through the proband and 3 affected family members from one family, however, each affected family member lacks the confirmation of the Schwartz score >3.5 or QTc >480ms or syncope necessary to be included / counted for the PP1 code (PMID: 21499742). This variant has been reported in at least one affected proband exhibiting QTc prolongation above 480 milliseconds, however, available reported details are not sufficiently specific for long QT syndrome 1, so the PP4 code is not met (PMID: 29497013). This variant has been shown to disrupt KCNQ1 function in one experimental assay, manual patch clamp (PMID: 16556865), and shown not to disrupt KCNQ1 function in another experimental assay, the Meiler Lab functional impact predictor, which has generated a prediction of normal effects of the mutant on IKs_classification, V1/2_classification, act_classification, and deact_classification (PMID: 29021305), so neither PS3_Supporting nor BS3_Supporting were met. In summary, this variant meets the criteria to be classified as likely pathogenic for long QT syndrome 1 based on the ACMG/AMP criteria applied, as specified by the ClinGen Potassium Channel Arrhythmia VCEP: PS4, PM2_Supporting, and PP3. (VCEP specifications version 1.0.0; date of approval 03/04/2025).

Labcorp Genetics (formerly Invitae), Labcorp
Classification: Pathogenic for Long QT syndrome. Last evaluated: 2025-12-23. Review status: criteria provided, single submitter. Criteria: Invitae Variant Classification Sherloc (09022015). Collection method: clinical testing. Allele origin: germline. Not counted in ClinVar's aggregate classification.
Comment: This sequence change replaces arginine, which is basic and polar, with tryptophan, which is neutral and slightly polar, at codon 366 of the KCNQ1 protein (p.Arg366Trp). This variant is not present in population databases (gnomAD no frequency). This missense change has been observed in individuals with long QT syndrome (PMID: 9693036, 15466642, 19716085, 19841300, 22949429, 24357532). ClinVar contains an entry for this variant (Variation ID: 52955). Invitae Evidence Modeling of protein sequence and biophysical properties (such as structural, functional, and spatial information, amino acid conservation, physicochemical variation, residue mobility, and thermodynamic stability) indicates that this missense variant is expected to disrupt KCNQ1 protein function with a positive predictive value of 95%. Experimental studies have shown that this missense change affects KCNQ1 function (PMID: 16556865). This variant disrupts the p.Arg366 amino acid residue in KCNQ1. Other variant(s) that disrupt this residue have been determined to be pathogenic (PMID: 9024139, 10973849, 16556865, 19934648). This suggests that this residue is clinically significant, and that variants that disrupt this residue are likely to be disease-causing. For these reasons, this variant has been classified as Pathogenic.

Ambry Genetics
Classification: Pathogenic for Cardiovascular phenotype. Last evaluated: 2025-05-15. Review status: criteria provided, single submitter. Criteria: Ambry Variant Classification Scheme 2023. Collection method: clinical testing. Allele origin: germline. Not counted in ClinVar's aggregate classification.
Comment: The p.R366W pathogenic mutation (also known as c.1096C>T), located in coding exon 8 of the KCNQ1 gene, results from a C to T substitution at nucleotide position 1096. The arginine at codon 366 is replaced by tryptophan, an amino acid with dissimilar properties. This variant was reported in individual(s) with features consistent with long QT syndrome (LQTS) (Splawski I et al. Genomics. 1998;51(1):86-97; Choi G et al. Circulation. 2004;110(15):2119-24; Itoh H et al. Heart Rhythm. 2010;7(10):1411-8; Giudicessi JR. et al. Circ Cardiovasc Genet. 2012;5(5):519-28; Torekov SS et al. Diabetes. 2014;63(4):1315-25; Ambry internal data). In an assay testing KCNQ1 function, this variant showed a functionally abnormal result (Shamgar L et al. Circ Res. 2006;98(8):1055-63). Other variant(s) at the same codon, p.R366Q (c.1097G>A), have been identified in individual(s) with features consistent with LQTS (Splawski I et al. Circulation. 2000;102(10):1178-85). This amino acid position is highly conserved in available vertebrate species. In addition, this alteration is predicted to be deleterious by in silico analysis. Based on the supporting evidence, this variant is interpreted as a disease-causing mutation.

Institute of Human Genetics, University of Leipzig Medical Center
Classification: Likely pathogenic for Jervell and Lange-Nielsen syndrome 1. Last evaluated: 2024-08-21. Review status: criteria provided, single submitter. Criteria: ACMG Guidelines, 2015. Collection method: clinical testing. Allele origin: unknown. Inheritance: Autosomal recessive inheritance. Affected: yes. Not counted in ClinVar's aggregate classification.
Comment: Criteria applied: PM5_STR,PM2_SUP,PP3

Women's Health and Genetics/Laboratory Corporation of America, LabCorp
Classification: Pathogenic for Long QT syndrome. Last evaluated: 2024-08-20. Review status: criteria provided, single submitter. Criteria: LabCorp Variant Classification Summary - May 2015. Collection method: clinical testing. Allele origin: germline. Not counted in ClinVar's aggregate classification.
Comment: Variant summary: KCNQ1 c.1096C>T (p.Arg366Trp) results in a non-conservative amino acid change in the encoded protein sequence. Five of five in-silico tools predict a damaging effect of the variant on protein function. The variant was absent in 251240 control chromosomes. c.1096C>T has been reported in the literature in multiple individuals affected with Long QT Syndrome, including segregation within families (examples: Imboden_2006, Allegue_2011). These data indicate that the variant is very likely to be associated with disease. At least one publication reports the variant to affect protein function (Shagmar_2006). The following publications have been ascertained in the context of this evaluation (PMID: 17192539, 21499742, 16556865). ClinVar contains an entry for this variant (Variation ID: 52955). Based on the evidence outlined above, the variant was classified as pathogenic.

Petrovsky National Research Centre of Surgery, The Federal Agency for Scientific Organizations
Classification: Likely pathogenic for Long QT syndrome 1. Last evaluated: 2023-10-12. Review status: criteria provided, single submitter. Criteria: ACMG Guidelines, 2015. Collection method: clinical testing. Allele origin: germline. Inheritance: Autosomal dominant inheritance. Affected: yes. Observed: 1 heterozygote. Not counted in ClinVar's aggregate classification.
Comment: ClinVar contains an entry for this variant (Variation ID: 52955) observed in patients with the consistent phenotype. This variant is not present in gnomAD database and located in a mutational hot spot and/or critical and well-established functional domain (PM1_strong according to Walsh R. et al. (PMID: 32893267). Multiple computational resources predict deleterious effect of p.Arg366Trp genetic variant. Functional studies in cultured mammalian cells and/or Xenopus oocytes demonstrate that p.Arg366Trp impairs calmodulin binding and disrupts channel expression and function (PMID: 16556865). For these reasons, this variant has been classified as Likely Pathogenic.

Molecular Genetics Laboratory - Cardiogenetics, CHU de Nantes
Classification: Pathogenic for Long QT syndrome 1. Last evaluated: 2023-08-01. Review status: criteria provided, single submitter. Criteria: ACMG Guidelines, 2015. Collection method: clinical testing. Allele origin: germline. Affected: yes. Not counted in ClinVar's aggregate classification.

Blueprint Genetics
Classification: Pathogenic for KCNQ1-related disorders. Last evaluated: 2023-04-25. Review status: criteria provided, single submitter. Criteria: ACMG Guidelines, 2015. Collection method: clinical testing. Allele origin: germline. Affected: yes. Observed: 5 variant alleles. Not counted in ClinVar's aggregate classification.

NM_000218.3(KCNQ1):c.1096C>T (p.Arg366Trp)

Gene: KCNQ1 (potassium voltage-gated channel subfamily Q member 1; plus strand). Cytogenetic location: 11p15.5.
Variant type: single nucleotide variant.
Coding change: c.1096C>T on transcript NM_000218.3 (MANE Select); coding-DNA position 1096, C replaced by T.
Protein change: p.Arg366Trp; replaces arginine 366 with tryptophan.
Molecular consequence: missense variant.
Genome position (GRCh38, 1-based): chr11:2,585,275, C>T. VCF-style: chr11-2585275-C-T. GRCh37 (hg19) VCF-style: chr11-2606505-C-T.
Other names: p.R366W:CGG>TGG; NM_000218.3(KCNQ1):c.1096C>T; c.1096C>T (LRG_287t1); c.826C>T, p.Arg276Trp (NM_001406837.1); c.715C>T, p.Arg239Trp (NM_181798.2); short protein forms R366W, R239W, R276W.
Identifiers: ClinVar variation 52955 (VCV000052955.34), dbSNP rs199473411, ClinGen allele CA005255.